The following is an entry in ClinVar:

ClinVar aggregate classification (germline): Likely pathogenic (1 of 4 stars; one submission).

Conditions:
Retinoblastoma (RB1). Also called: RETINOBLASTOMA, SOMATIC. Identifiers: Orphanet 790, MedGen C0035335, MeSH D012175, MONDO:0008380, OMIM 180200, HP:0009919. Disease mechanism: loss of function. Inheritance: Both sporadic and heritable forms are tested..

Submission:

Labcorp Genetics (formerly Invitae), Labcorp
Classification: Likely pathogenic for Retinoblastoma. Last evaluated: 2020-03-31. Review status: criteria provided, single submitter. Criteria: Invitae Variant Classification Sherloc (09022015). Collection method: clinical testing. Allele origin: germline.
Comment: This sequence change replaces leucine with valine at codon 218 of the RB1 protein (p.Leu218Val). The leucine residue is highly conserved and there is a small physicochemical difference between leucine and valine. This variant is not present in population databases (ExAC no frequency). This variant has been observed in individual(s) with bilateral retinoblastoma (PMID: 20090211, Invitae). ClinVar contains an entry for this variant (Variation ID: 572140). Algorithms developed to predict the effect of missense changes on protein structure and function (SIFT, PolyPhen-2, Align-GVGD) all suggest that this variant is likely to be disruptive, but these predictions have not been confirmed by published functional studies and their clinical significance is uncertain. Experimental studies have shown that this variant disrupts mRNA splicing (PMID: 21654082). In summary, the currently available evidence indicates that the variant is pathogenic, but additional data are needed to prove that conclusively. Therefore, this variant has been classified as Likely Pathogenic.

Literature cited by the submitters: PubMed 20090211; PubMed 21654082.

NM_000321.3(RB1):c.652T>G (p.Leu218Val)

Gene: RB1 (RB transcriptional corepressor 1; plus strand). Cytogenetic location: 13q14.2.
Variant type: single nucleotide variant.
Coding change: c.652T>G on transcript NM_000321.3 (MANE Select); coding-DNA position 652, T replaced by G.
Protein change: p.Leu218Val; replaces leucine 218 with valine.
Molecular consequence: missense variant.
Genome position (GRCh38, 1-based): chr13:48,360,061, T>G. VCF-style: chr13-48360061-T-G. GRCh37 (hg19) VCF-style: chr13-48934197-T-G.
Other names: short protein forms L218V.
Identifiers: ClinVar variation 572140 (VCV000572140.6), dbSNP rs1566191596, ClinGen allele CA388158295.